The following is an entry in ClinVar:

ClinVar aggregate classification (germline): Uncertain significance (1 of 4 stars; one submission).

gnomAD v4.1: 9 of 1,614,014 alleles (0.00056%); highest among the groups gnomAD compares: Non-Finnish European, 0.00076%; no homozygotes.

Submission:

Labcorp Genetics (formerly Invitae), Labcorp
Classification: Uncertain significance. Last evaluated: 2024-03-15. Review status: criteria provided, single submitter. Criteria: Invitae Variant Classification Sherloc (09022015). Collection method: clinical testing. Allele origin: germline.
Comment: This sequence change creates a premature translational stop signal (p.Arg756*) in the CLCN6 gene. It is expected to result in an absent or disrupted protein product. However, the current clinical and genetic evidence is not sufficient to establish whether loss-of-function variants in CLCN6 cause disease. This variant is present in population databases (no rsID available, gnomAD 0.0009%). This variant has not been reported in the literature in individuals affected with CLCN6-related conditions. ClinVar contains an entry for this variant (Variation ID: 1432020). In summary, the available evidence is currently insufficient to determine the role of this variant in disease. Therefore, it has been classified as a Variant of Uncertain Significance.

NM_001286.5(CLCN6):c.2266C>T (p.Arg756Ter)

Gene: CLCN6 (chloride voltage-gated channel 6; plus strand). Cytogenetic location: 1p36.22.
Variant type: single nucleotide variant.
Coding change: c.2266C>T on transcript NM_001286.5 (MANE Select); coding-DNA position 2266, C replaced by T.
Protein change: p.Arg756Ter; replaces arginine 756 with a stop codon.
Molecular consequence: nonsense. On other transcripts: non-coding transcript variant (1).
Genome position (GRCh38, 1-based): chr1:11,837,470, C>T. VCF-style: chr1-11837470-C-T. GRCh37 (hg19) VCF-style: chr1-11897527-C-T.
Other names: c.2200C>T, p.Arg734Ter (NM_001256959.2); short protein forms R734*, R756*.
Identifiers: ClinVar variation 1432020 (VCV001432020.6), dbSNP rs1444187729, ClinGen allele CA338442231.
Genomic context (GRCh38, chr1:11,837,470, plus strand): 5'-TTCCGCCCTCTGACCTTCCACGGCCTGATCCTTCGGTCGCAGCTTGTCACCCTGCTTGTC[C>T]GAGGAGTTTGTTACTCTGAAAGCCAGTCGGTAAGTCTCTCCGAGGCAGAAATCAGCCAGG-3'